The following is an entry in ClinVar:

NM_000053.4(ATP7B):c.1543+4A>G

Gene: ATP7B (ATPase copper transporting beta; minus strand). Cytogenetic location: 13q14.3.
Variant type: single nucleotide variant.
Coding change: c.1543+4A>G on transcript NM_000053.4 (MANE Select); 4 bases into the intron after coding-DNA position 1543, A replaced by G.
Molecular consequence: intron variant.
Genome position (GRCh38, 1-based): chr13:51,970,488, T>C on the plus strand (A>G on the coding strand, the complement: ATP7B is on the minus strand). VCF-style: chr13-51970488-T-C. GRCh37 (hg19) VCF-style: chr13-52544624-T-C.
Other names: c.1210+4A>G (NM_001243182.2); c.1543+4A>G (NM_001005918.3, NM_001330579.2, NM_001330578.2).
Identifiers: ClinVar variation 2428657 (VCV002428657.3), dbSNP rs2547792339, ClinGen allele CA2580087654.

ClinVar aggregate classification (germline): Uncertain significance (1 of 4 stars; one submission).

Conditions:
Wilson disease (WND). Also called: Wilson's disease. Identifiers: Orphanet 905, MedGen C0019202, MONDO:0010200, OMIM 277900. Disease mechanism: loss of function.

Submission:

ARUP Laboratories, Molecular Genetics and Genomics, ARUP Laboratories
Classification: Uncertain significance for Wilson disease. Last evaluated: 2022-07-12. Review status: criteria provided, single submitter. Criteria: ARUP Molecular Germline Variant Investigation Process 2021. Collection method: clinical testing. Allele origin: germline.
Comment: The ATP7B c.1543+4A>G variant is reported in the literature in individuals with Wilson's disease (Dong 2016, Li 2019); however, clinical information of these individuals is not provided in detail. This variant is absent from the Genome Aggregation Database, indicating it is not a common polymorphism. This is an intronic variant in a moderately conserved nucleotide, and computational analyses (Alamut v.2.11) predict that this variant may impact splicing by weakening the nearby canonical donor splice site. However, without functional studies and limited clinical information, the significance of this variant is uncertain at this time. References: Dong Y et al. Spectrum and Classification of ATP7B Variants in a Large Cohort of Chinese Patients with Wilson's Disease Guides Genetic Diagnosis. Theranostics. 2016 Mar 3;6(5):638-49. PMID: 27022412 Li X et al. Clinical features and mutational analysis in 114 young children with Wilson disease from South China. Am J Med Genet A. 2019 Aug;179(8):1451-1458. PMID: 31172689